The following is an entry in ClinVar:

ClinVar aggregate classification (germline): Uncertain significance (1 of 4 stars; one submission).

Submission:

GeneDx
Classification: Uncertain significance. Last evaluated: 2022-12-14. Review status: criteria provided, single submitter. Criteria: GeneDx Variant Classification Process June 2021. Collection method: clinical testing. Allele origin: germline. Affected: yes.
Comment: Not observed at significant frequency in large population cohorts (gnomAD); Frameshift variant predicted to result in protein truncation or nonsense mediated decay in a gene or region of a gene for which loss of function is not a well-established mechanism of disease; Has not been previously published as pathogenic or benign to our knowledge; Variants in candidate genes are classified as variants of uncertain significance in accordance with ACMG guidelines (Richards et al., 2015)

NM_003074.4(SMARCC1):c.2671_2674del (p.Lys891fs)

Gene: SMARCC1 (SWI/SNF related BAF chromatin remodeling complex subunit C1; minus strand). Cytogenetic location: 3p21.31.
Variant type: Microsatellite.
Coding change: c.2671_2674del on transcript NM_003074.4 (MANE Select); coding-DNA positions 2671 to 2674, 4 bases deleted (AAGA; older notation c.2671_2674delAAGA).
Protein change: p.Lys891fs; shifts the reading frame from lysine 891.
Molecular consequence: frameshift variant.
Genome position (GRCh38, 1-based): chr3:47,622,314-47,622,317, TCTT deleted on the plus strand (AAGA on the coding strand, the reverse complement: SMARCC1 is on the minus strand); deleting any 4 consecutive bases within chr3:47,622,314-47,622,325 gives the same sequence; the c. name uses the placement nearest the transcript's 3' end. VCF-style (leftmost placement, unchanged base first): chr3-47622313-ATCTT-A. GRCh37 (hg19) VCF-style: chr3-47663803-ATCTT-A.
Other names: short protein forms K891fs.
Identifiers: ClinVar variation 3342760 (VCV003342760.1).
Genomic context (GRCh38, chr3:47,622,313, plus strand): 5'-CGAAGTTTGATCTCTAGTTTCTTCATTTGTGTCTCAACCAAGAGAGCTACCAGGGACTTG[ATCTT>A]TCTTTCTTCCACTGCAGCCAGGTGCTAAGGGTACAAGATCATTCAAGCTATTTAGGTAAA-3'